The following is an entry in ClinVar:

ClinVar aggregate classification (germline): Uncertain significance (1 of 4 stars; one submission).

Submission:

Labcorp Genetics (formerly Invitae), Labcorp
Classification: Uncertain significance. Last evaluated: 2024-04-27. Review status: criteria provided, single submitter. Criteria: Invitae Variant Classification Sherloc (09022015). Collection method: clinical testing. Allele origin: germline.
Comment: This sequence change replaces isoleucine, which is neutral and non-polar, with leucine, which is neutral and non-polar, at codon 640 of the C7 protein (p.Ile640Leu). This variant is not present in population databases (gnomAD no frequency). This variant has not been reported in the literature in individuals affected with C7-related conditions. Advanced modeling of protein sequence and biophysical properties (such as structural, functional, and spatial information, amino acid conservation, physicochemical variation, residue mobility, and thermodynamic stability) performed at Invitae indicates that this missense variant is not expected to disrupt C7 protein function with a negative predictive value of 80%. In summary, the available evidence is currently insufficient to determine the role of this variant in disease. Therefore, it has been classified as a Variant of Uncertain Significance.

NM_000587.4(C7):c.1918A>C (p.Ile640Leu)

Gene: C7 (complement C7; plus strand). Cytogenetic location: 5p13.1.
Variant type: single nucleotide variant.
Coding change: c.1918A>C on transcript NM_000587.4 (MANE Select); coding-DNA position 1918, A replaced by C.
Protein change: p.Ile640Leu; replaces isoleucine 640 with leucine.
Molecular consequence: missense variant.
Genome position (GRCh38, 1-based): chr5:40,972,438, A>C. VCF-style: chr5-40972438-A-C. GRCh37 (hg19) VCF-style: chr5-40972540-A-C.
Other names: short protein forms I640L.
Identifiers: ClinVar variation 3685416 (VCV003685416.2).